The following is an entry in ClinVar:

NM_001211.6(BUB1B):c.976A>C (p.Asn326His)

Gene: BUB1B (BUB1 mitotic checkpoint serine/threonine kinase B; plus strand). Cytogenetic location: 15q15.1.
Variant type: single nucleotide variant.
Coding change: c.976A>C on transcript NM_001211.6 (MANE Select); coding-DNA position 976, A replaced by C.
Protein change: p.Asn326His; replaces asparagine 326 with histidine.
Molecular consequence: missense variant.
Genome position (GRCh38, 1-based): chr15:40,185,560, A>C. VCF-style: chr15-40185560-A-C. GRCh37 (hg19) VCF-style: chr15-40477761-A-C.
Other names: short protein forms N326H.
Identifiers: ClinVar variation 4600158 (VCV004600158.1).

ClinVar aggregate classification (germline): Uncertain significance (1 of 4 stars; one submission).

Conditions:
Inborn genetic diseases. Identifiers: MedGen C0950123, MeSH D030342.

Submission:

Ambry Genetics
Classification: Uncertain significance for Inborn genetic diseases. Last evaluated: 2025-09-19. Review status: criteria provided, single submitter. Criteria: Ambry Variant Classification Scheme 2023. Collection method: clinical testing. Allele origin: germline.
Comment: The p.N326H variant (also known as c.976A>C), located in coding exon 8 of the BUB1B gene, results from an A to C substitution at nucleotide position 976. The asparagine at codon 326 is replaced by histidine, an amino acid with similar properties. This amino acid position is conserved. In addition, this alteration is predicted to be tolerated by in silico analysis. Based on the available evidence, the clinical significance of this variant remains unclear.